The following is an entry in ClinVar:

ClinVar aggregate classification (germline): Pathogenic (1 of 4 stars; one submission).

Conditions:
Finnish congenital nephrotic syndrome (NPHS1). Also called: NEPHROTIC SYNDROME, TYPE 1. Identifiers: Orphanet 839, MedGen C0403399, MONDO:0009732, OMIM 256300.

Submission:

Myriad Genetics, Inc.
Classification: Pathogenic for Finnish congenital nephrotic syndrome. Last evaluated: 2024-03-22. Review status: criteria provided, single submitter. Criteria: Myriad Autosomal Dominant, Autosomal Recessive and X-Linked Classification Criteria (2023). Collection method: clinical testing. Allele origin: unknown.
Comment: NM_004646.3(NPHS1):c.729delT(V244Sfs*30) is expected to be pathogenic in the context of nephrotic syndrome, NPHS1-related. This variant is predicted to lead to an abnormal or absent protein product due to the creation of a premature termination codon in NPHS1, a gene where loss-of-function variants are known to be pathogenic. Please note: this variant was assessed in the context of healthy population screening.

NM_004646.4(NPHS1):c.729del (p.Val244fs)

Gene: NPHS1 (NPHS1 adhesion molecule, nephrin; minus strand). Cytogenetic location: 19q13.12.
Variant type: Deletion.
Coding change: c.729del on transcript NM_004646.4 (MANE Select); coding-DNA position 729, one base deleted (T; older notation c.729delT).
Protein change: p.Val244fs; shifts the reading frame from valine 244.
Molecular consequence: frameshift variant.
Genome position (GRCh38, 1-based): chr19:35,849,347, A deleted on the plus strand (T on the coding strand, the reverse complement: NPHS1 is on the minus strand). VCF-style (leftmost placement, unchanged base first): chr19-35849346-CA-C. GRCh37 (hg19) VCF-style: chr19-36340248-CA-C.
Other names: short protein forms V244fs.
Identifiers: ClinVar variation 5012848 (VCV005012848.1).
Genomic context (GRCh38, chr19:35,849,346, plus strand): 5'-GCAGCTCCAAGCTCTGTCCTGCCCGCACGTGCCCCTCATCCAGGCCTGGCCACTCGATGA[CA>C]GGGGGTCCTGGAGGGACTGGGGGATATCAGTCACTCAGTGGGCCTGGAGTAGCCCATCCA-3'